The following is an entry in ClinVar:

ClinVar aggregate classification (germline): Uncertain significance. Review status: criteria provided, multiple submitters, no conflicts (2 of 4 stars). 3 submissions from 3 submitters: Uncertain significance (3). Last evaluated 2022-05-27.

Conditions:
Hereditary cancer-predisposing syndrome. Also called: Tumor predisposition; Hereditary Cancer Syndrome; Hereditary neoplastic syndrome; Neoplastic Syndromes, Hereditary. Identifiers: Orphanet 140162, MedGen C0027672, MeSH D009386, MONDO:0015356.
Hereditary breast ovarian cancer syndrome. Also called: Hereditary breast and ovarian cancer; Hereditary breast and ovarian cancer syndrome; Breast and ovarian cancer; BRCA1- and BRCA2-Associated Hereditary Breast and Ovarian Cancer; Hereditary breast and/or ovarian cancer syndrome; Hereditary breast and ovarian cancer syndrome (HBOC). Identifiers: Orphanet 145, MedGen C0677776, MeSH D061325, MONDO:0003582. Disease mechanism: loss of function.

Submissions (3):

Ambry Genetics
Classification: Uncertain significance for Hereditary cancer-predisposing syndrome. Last evaluated: 2022-05-27. Review status: criteria provided, single submitter. Criteria: Ambry Variant Classification Scheme 2023. Collection method: clinical testing. Allele origin: germline.
Comment: The c.3141_3161del21 variant (also known as p.T1051_S1057del) is located in coding exon 9 of the BRCA1 gene. This variant results from an in-frame AGGTTCCAGTACTAATGAAGT deletion at nucleotide positions 3141 to 3161. This results in the in-frame deletion of 7 amino acids between codons 1051 and 1057. These amino acid positions are well conserved in available vertebrate species. Since supporting evidence is limited at this time, the clinical significance of this alteration remains unclear.

Sema4
Classification: Uncertain significance for Hereditary cancer-predisposing syndrome. Last evaluated: 2022-03-10. Review status: criteria provided, single submitter. Criteria: Sema4 Curation Guidelines. Collection method: curation. Allele origin: germline.
Comment: The BRCA1 c.3141_3161delAGGTTCCAGTACTAATGAAGT (p.G1048_V1054del) variant has not been reported in the literature to our knowledge. This in-frame deletion removes seven non-conserved amino acids without altering the integrity of the reading frame. It was observed in 1/30610 chromosomes of the South Asian subpopulation in the large and broad cohorts of the Genome Aggregation Database (PMID: 32461654). The variant has not been reported in ClinVar. The evidence is insufficient to meet ACMG/AMP criteria for classifying the variant as benign or pathogenic. Thus, the clinical significance of this variant is currently uncertain.

Labcorp Genetics (formerly Invitae), Labcorp
Classification: Uncertain significance for Hereditary breast ovarian cancer syndrome. Last evaluated: 2020-12-31. Review status: criteria provided, single submitter. Criteria: Invitae Variant Classification Sherloc (09022015). Collection method: clinical testing. Allele origin: germline.
Comment: This variant, c.3141_3161del, results in the deletion of 7 amino acid(s) of the BRCA1 protein (p.Thr1051_Ser1057del), but otherwise preserves the integrity of the reading frame. The frequency data for this variant in the population databases is considered unreliable, as metrics indicate poor data quality at this position in the ExAC database. This variant has not been reported in the literature in individuals with BRCA1-related conditions. Experimental studies and prediction algorithms are not available or were not evaluated, and the functional significance of this variant is currently unknown. In summary, the available evidence is currently insufficient to determine the role of this variant in disease. Therefore, it has been classified as a Variant of Uncertain Significance.

NM_007294.4(BRCA1):c.3141_3161del (p.Thr1051_Ser1057del)

Gene: BRCA1 (BRCA1 DNA repair associated; minus strand). Cytogenetic location: 17q21.31.
Variant type: Deletion.
Coding change: c.3141_3161del on transcript NM_007294.4 (MANE Select); coding-DNA positions 3141 to 3161, 21 bases deleted (AGGTTCCAGTACTAATGAAGT).
Protein change: p.Thr1051_Ser1057del.
Molecular consequence: inframe deletion. On other transcripts: intron variant (137), inframe indel (2).
Genome position (GRCh38, 1-based): chr17:43,092,370-43,092,390, ACTTCATTAGTACTGGAACCT deleted on the plus strand (AGGTTCCAGTACTAATGAAGT on the coding strand, the reverse complement: BRCA1 is on the minus strand); deleting any 21 consecutive bases within chr17:43,092,370-43,092,399 gives the same sequence; the c. name uses the placement nearest the transcript's 3' end. VCF-style (leftmost placement, unchanged base first): chr17-43092369-CACTTCATTAGTACTGGAACCT-C. GRCh37 (hg19) VCF-style: chr17-41244386-CACTTCATTAGTACTGGAACCT-C.
Other names: c.2928_2948del, p.Thr980_Ser986del (NM_001407571.1, NM_001407853.1, NM_001407894.1 and 9 more transcripts); c.3141_3161del, p.Thr1051_Ser1057del (NM_001407581.1, NM_001407582.1, NM_001407583.1 and 30 more transcripts); c.3138_3158del, p.Thr1050_Ser1056del (NM_001407587.1, NM_001407590.1, NM_001407591.1 and 22 more transcripts); c.3132_3152del, p.Thr1048_Ser1054del (NM_001407646.1, NM_001407647.1); c.3018_3038del, p.Thr1010_Ser1016del (NM_001407648.1, NM_001407664.1, NM_001407665.1 and 19 more transcripts); c.3015_3035del, p.Thr1009_Ser1015del (NM_001407649.1, NM_001407670.1, NM_001407671.1 and 11 more transcripts); c.3063_3083del, p.Thr1025_Ser1031del (NM_001407653.1, NM_001407654.1, NM_001407655.1 and 4 more transcripts); c.3060_3080del, p.Thr1024_Ser1030del (NM_001407659.1, NM_001407660.1, NM_001407661.1 and 1 more transcripts); and 43 more.
Identifiers: ClinVar variation 1442079 (VCV001442079.11), dbSNP rs763110421, ClinGen allele CA058103.